The following is an entry in ClinVar:

NM_001145026.2(PTPRQ):c.4425A>C (p.Lys1475Asn)

Gene: PTPRQ (protein tyrosine phosphatase receptor type Q; plus strand). Cytogenetic location: 12q21.31.
Variant type: single nucleotide variant.
Coding change: c.4425A>C on transcript NM_001145026.2 (MANE Select); coding-DNA position 4425, A replaced by C.
Protein change: p.Lys1475Asn; replaces lysine 1475 with asparagine.
Molecular consequence: missense variant.
Genome position (GRCh38, 1-based): chr12:80,588,268, A>C. VCF-style: chr12-80588268-A-C. GRCh37 (hg19) VCF-style: chr12-80982047-A-C.
Other names: short protein forms K1475N.
Identifiers: ClinVar variation 3901638 (VCV003901638.1).

ClinVar aggregate classification (germline): Uncertain significance (1 of 4 stars; one submission).

Submission:

GeneDx
Classification: Uncertain significance. Last evaluated: 2024-12-03. Review status: criteria provided, single submitter. Criteria: GeneDx Variant Classification Process June 2021. Collection method: clinical testing. Allele origin: germline. Affected: yes.
Comment: Not observed at significant frequency in large population cohorts (gnomAD); In silico analysis indicates that this missense variant does not alter protein structure/function; Has not been previously published as pathogenic or benign to our knowledge